The following is an entry in ClinVar:

NM_018238.4(AGK):c.1035dup (p.Ile346fs)

Gene: AGK (acylglycerol kinase; plus strand). Cytogenetic location: 7q34.
Variant type: Duplication.
Coding change: c.1035dup on transcript NM_018238.4 (MANE Select); coding-DNA position 1035, one base duplicated (T; older notation c.1035dupT).
Protein change: p.Ile346fs; shifts the reading frame from isoleucine 346.
Molecular consequence: frameshift variant.
Genome position (GRCh38, 1-based): chr7:141,649,322, T duplicated; the last of 3 consecutive T bases (chr7:141,649,320-141,649,322); duplicating any one gives the same sequence. VCF-style (leftmost placement, unchanged base first): chr7-141649319-C-CT. GRCh37 (hg19) VCF-style: chr7-141349119-C-CT.
Other names: c.1035dup, p.Ile346fs (NM_001364948.3); short protein forms I346fs.
Identifiers: ClinVar variation 1070308 (VCV001070308.9), dbSNP rs1259937492, ClinGen allele CA578277908.

ClinVar aggregate classification (germline): Pathogenic (1 of 4 stars; one submission).

Conditions:
Sengers syndrome. Also called: MITOCHONDRIAL DNA DEPLETION SYNDROME 10 (CARDIOMYOPATHIC TYPE); Cardiomyopathy and cataract. Identifiers: Orphanet 1369, MedGen C1859317, MONDO:0008922, OMIM 212350.
Cataract 38. Also called: Cataract 38, autosomal recessive; Cataract, autosomal recessive congenital 5. Identifiers: Orphanet 91492, MedGen C3553494, MONDO:0013859, OMIM 614691.

Submission:

Labcorp Genetics (formerly Invitae), Labcorp
Classification: Pathogenic for Sengers syndrome; Cataract 38. Last evaluated: 2024-08-29. Review status: criteria provided, single submitter. Criteria: Invitae Variant Classification Sherloc (09022015). Collection method: clinical testing. Allele origin: germline.
Comment: This sequence change creates a premature translational stop signal (p.Ile346Tyrfs*39) in the AGK gene. While this is not anticipated to result in nonsense mediated decay, it is expected to disrupt the last 77 amino acid(s) of the AGK protein. This variant is present in population databases (no rsID available, gnomAD 0.0009%). This premature translational stop signal has been observed in individual(s) with autosomal recessive Sengers syndrome (PMID: 25208612, 28868593). In at least one individual the data is consistent with being in trans (on the opposite chromosome) from a pathogenic variant. It has also been observed to segregate with disease in related individuals. ClinVar contains an entry for this variant (Variation ID: 1070308). For these reasons, this variant has been classified as Pathogenic.

Literature cited by the submitters: PubMed 25208612; PubMed 28868593.